The following is an entry in ClinVar:

NM_198578.4(LRRK2):c.4742T>G (p.Val1581Gly)

Gene: LRRK2 (leucine rich repeat kinase 2; plus strand). Cytogenetic location: 12q12.
Variant type: single nucleotide variant.
Coding change: c.4742T>G on transcript NM_198578.4 (MANE Select); coding-DNA position 4742, T replaced by G.
Protein change: p.Val1581Gly; replaces valine 1581 with glycine.
Molecular consequence: missense variant.
Genome position (GRCh38, 1-based): chr12:40,315,215, T>G. VCF-style: chr12-40315215-T-G. GRCh37 (hg19) VCF-style: chr12-40709017-T-G.
Other names: short protein forms V1581G.
Identifiers: ClinVar variation 1742781 (VCV001742781.4), dbSNP rs372228016, ClinGen allele CA6514278.

ClinVar aggregate classification (germline): Uncertain significance. Review status: criteria provided, multiple submitters, no conflicts (2 of 4 stars). 2 submissions from 2 submitters: Uncertain significance (2). Last evaluated 2025-07-31.

Conditions:
LRRK2-related disorder. Also called: LRRK2-related condition.
Inborn genetic diseases. Identifiers: MedGen C0950123, MeSH D030342.

Allele frequency attached by ClinVar (database versions not stated): ExAC 0.00001; gnomAD 0.00003; TOPMed 0.00003; ESP Exome Variant Server 0.00008.
gnomAD v4.1: 14 of 1,611,024 alleles (0.00087%); highest among the groups gnomAD compares: Non-Finnish European, 0.0012%; no homozygotes.

Submissions (2):

PreventionGenetics, part of Exact Sciences
Classification: Uncertain significance for LRRK2-related condition. Last evaluated: 2025-07-31. Review status: criteria provided, single submitter. Criteria: ACMG Guidelines, 2015. Collection method: clinical testing. Allele origin: germline.
Comment: The LRRK2 c.4742T>G variant is predicted to result in the amino acid substitution p.Val1581Gly. To our knowledge, this variant has not been reported in the literature. This variant is reported in 0.0026% of alleles in individuals of European (Non-Finnish) descent in gnomAD. At this time, the clinical significance of this variant is uncertain due to the absence of conclusive functional and genetic evidence.

Ambry Genetics
Classification: Uncertain significance for Inborn genetic diseases. Last evaluated: 2023-07-05. Review status: criteria provided, single submitter. Criteria: Ambry Variant Classification Scheme 2023. Collection method: clinical testing. Allele origin: germline.
Comment: The p.V1581G variant (also known as c.4742T>G), located in coding exon 33 of the LRRK2 gene, results from a T to G substitution at nucleotide position 4742. The valine at codon 1581 is replaced by glycine, an amino acid with dissimilar properties. This amino acid position is conserved. In addition, this alteration is predicted to be deleterious by in silico analysis. Since supporting evidence is limited at this time, the clinical significance of this alteration remains unclear.